The following is an entry in ClinVar:

ClinVar aggregate classification (germline): Uncertain significance (1 of 4 stars; one submission).

gnomAD v4.1: 1 of 1,614,062 alleles (0.000062%); highest among the groups gnomAD compares: Non-Finnish European, 0.000085%; no homozygotes.

Submission:

Labcorp Genetics (formerly Invitae), Labcorp
Classification: Uncertain significance. Last evaluated: 2025-09-16. Review status: criteria provided, single submitter. Criteria: Invitae Variant Classification Sherloc (09022015). Collection method: clinical testing. Allele origin: germline.
Comment: This sequence change replaces asparagine, which is neutral and polar, with lysine, which is basic and polar, at codon 322 of the MBD4 protein (p.Asn322Lys). This variant is not present in population databases (gnomAD no frequency). This variant has not been reported in the literature in individuals affected with MBD4-related conditions. ClinVar contains an entry for this variant (Variation ID: 3642840). An algorithm developed to predict the effect of missense changes on protein structure and function (PolyPhen-2) suggests that this variant is likely to be tolerated. In summary, the available evidence is currently insufficient to determine the role of this variant in disease. Therefore, it has been classified as a Variant of Uncertain Significance.

NM_001276270.2(MBD4):c.966T>G (p.Asn322Lys)

Gene: MBD4 (methyl-CpG binding domain 4, DNA glycosylase; minus strand). Cytogenetic location: 3q21.3.
Variant type: single nucleotide variant.
Coding change: c.966T>G on transcript NM_001276270.2 (MANE Select); coding-DNA position 966, T replaced by G.
Protein change: p.Asn322Lys; replaces asparagine 322 with lysine.
Molecular consequence: missense variant. On other transcripts: intron variant (1).
Genome position (GRCh38, 1-based): chr3:129,436,678, A>C on the plus strand (T>G on the coding strand, the complement: MBD4 is on the minus strand). VCF-style: chr3-129436678-A-C. GRCh37 (hg19) VCF-style: chr3-129155521-A-C.
Other names: c.966T>G, p.Asn322Lys (NM_001276271.2, NM_001276272.2, NM_003925.3); c.247+1130T>G (NM_001276273.2); short protein forms N322K.
Identifiers: ClinVar variation 3642840 (VCV003642840.2).